The following is an entry in ClinVar:

ClinVar aggregate classification (germline): Pathogenic/Likely pathogenic. Review status: criteria provided, multiple submitters, no conflicts (2 of 4 stars). 2 submissions from 2 submitters: Pathogenic (1); Likely pathogenic (1). Last evaluated 2024-11-26.

Conditions:
COL1A2-related disorder. Also called: COL1A2-related condition; COL1A2-Related Disorders.
Ehlers-Danlos syndrome, classic type, 1 (EDSCL1). Also called: Ehlers-Danlos Syndrome, Classic Type, COL5A1-Related; EHLERS-DANLOS SYNDROME, GRAVIS TYPE; EHLERS-DANLOS SYNDROME, SEVERE CLASSIC TYPE; EDS I; Ehlers-Danlos syndrome, type 1. Identifiers: MedGen C0268335, MONDO:0019567, OMIM 130000.
Osteogenesis imperfecta type I (OI1). Also called: Lobstein's Disease; Osteogenesis imperfecta type 1; OI, TYPE I; OSTEOGENESIS IMPERFECTA TARDA; OSTEOGENESIS IMPERFECTA WITH BLUE SCLERAE; Classic Non-deforming Osteogenesis Imperfecta with Blue Sclerae. Identifiers: Orphanet 216796, Orphanet 666, MedGen C0023931, MONDO:0008146, OMIM 166200. Disease mechanism: loss of function.

Submissions (2):

Blueprint Genetics
Classification: Pathogenic for COL1A2-related disorders. Last evaluated: 2024-11-26. Review status: criteria provided, single submitter. Criteria: ACMG Guidelines, 2015. Collection method: clinical testing. Allele origin: germline. Affected: yes. Observed: 2 variant alleles.

Labcorp Genetics (formerly Invitae), Labcorp
Classification: Likely pathogenic for Osteogenesis imperfecta type I; Ehlers-Danlos syndrome, classic type, 1. Last evaluated: 2018-01-03. Review status: criteria provided, single submitter. Criteria: Invitae Variant Classification Sherloc (09022015). Collection method: clinical testing. Allele origin: germline.
Comment: In summary, the currently available evidence indicates that the variant is pathogenic, but additional data are needed to prove that conclusively. Therefore, this variant has been classified as Likely Pathogenic. Glycine residues within the Gly-Xaa-Yaa repeats of the triple helix domain are required for the structure and stability of fibrillar collagens (PMID: 7695699, 8218237, 19344236). In COL1A2, missense variants at these glycine residues are significantly enriched in individuals with disease (PMID: 9016532, 17078022) compared to the general population (ExAC). A different missense substitution at this codon (p.Gly748Val) has been reported in an individual affected with osteogenesis imperfecta (PMID: 18996919). Algorithms developed to predict the effect of missense changes on protein structure and function (SIFT, PolyPhen-2, Align-GVGD) all suggest that this variant is likely to be disruptive, but these predictions have not been confirmed by published functional studies and their clinical significance is uncertain. This sequence change replaces glycine with serine at codon 748 of the COL1A2 protein (p.Gly748Ser). The glycine residue is highly conserved and there is a small physicochemical difference between glycine and serine. While this variant is not present in population databases, the frequency information is unreliable, as metrics indicate poor data quality at this position in the ExAC database. This variant has been reported in individuals affected with osteogenesis imperfecta (PMID: 24668929).

Literature cited by the submitters: PubMed 7695699 (cited by Labcorp Genetics (formerly Invitae), Labcorp); PubMed 8218237 (cited by Labcorp Genetics (formerly Invitae), Labcorp); PubMed 19344236 (cited by Labcorp Genetics (formerly Invitae), Labcorp); PubMed 9016532 (cited by Labcorp Genetics (formerly Invitae), Labcorp); PubMed 17078022 (cited by Labcorp Genetics (formerly Invitae), Labcorp); PubMed 18996919 (cited by Labcorp Genetics (formerly Invitae), Labcorp); PubMed 24668929 (cited by Labcorp Genetics (formerly Invitae), Labcorp).

NM_000089.4(COL1A2):c.2242G>A (p.Gly748Ser)

Gene: COL1A2 (collagen type I alpha 2 chain; plus strand). Cytogenetic location: 7q21.3.
Variant type: single nucleotide variant.
Coding change: c.2242G>A on transcript NM_000089.4 (MANE Select); coding-DNA position 2242, G replaced by A.
Protein change: p.Gly748Ser; replaces glycine 748 with serine.
Molecular consequence: missense variant.
Genome position (GRCh38, 1-based): chr7:94,420,595, G>A. VCF-style: chr7-94420595-G-A. GRCh37 (hg19) VCF-style: chr7-94049907-G-A.
Other names: short protein forms G748S.
Identifiers: ClinVar variation 571444 (VCV000571444.11), dbSNP rs1562905246, ClinGen allele CA368223540.